The following is an entry in ClinVar:

ClinVar aggregate classification (germline): Benign. Review status: criteria provided, multiple submitters, no conflicts (2 of 4 stars). 3 submissions from 3 submitters: Benign (2). 1 of the submissions does not count toward it. Last evaluated 2026-01-06.

Conditions:
RSPRY1-related disorder. Also called: RSPRY1-related condition.

Allele frequency attached by ClinVar (database versions not stated): ESP Exome Variant Server 0.00900; gnomAD exomes 0.00068 and 0.00192; ExAC 0.00245; 1000 Genomes Project 0.00679; gnomAD 0.00724 and 0.00784; 1000 Genomes Project 30x 0.00734; TOPMed 0.00816.
gnomAD v4.1: 2,142 of 1,613,648 alleles (0.13%); highest among the groups gnomAD compares: African/African-American, 2.6%; 22 homozygotes.

Submissions (3):

Labcorp Genetics (formerly Invitae), Labcorp
Classification: Benign. Last evaluated: 2026-01-06. Review status: criteria provided, single submitter. Criteria: Invitae Variant Classification Sherloc (09022015). Collection method: clinical testing. Allele origin: germline.

Breakthrough Genomics
Classification: Benign. Review status: criteria provided, single submitter. Criteria: ACMG Guidelines, 2015. Collection method: not provided. Allele origin: germline. Inheritance: Autosomal recessive inheritance. Affected: yes.

PreventionGenetics, part of Exact Sciences
Classification: Benign for RSPRY1-related condition. Last evaluated: 2019-10-29. Review status: no assertion criteria provided. Collection method: clinical testing. Allele origin: germline. Not counted in ClinVar's aggregate classification.
Comment: This variant is classified as benign based on ACMG/AMP sequence variant interpretation guidelines (Richards et al. 2015 PMID: 25741868, with internal and published modifications).

NM_133368.3(RSPRY1):c.1252A>G (p.Ile418Val)

Gene: RSPRY1 (ring finger and SPRY domain containing 1; plus strand). Cytogenetic location: 16q13.
Variant type: single nucleotide variant.
Coding change: c.1252A>G on transcript NM_133368.3 (MANE Select); coding-DNA position 1252, A replaced by G.
Protein change: p.Ile418Val; replaces isoleucine 418 with valine.
Molecular consequence: missense variant.
Genome position (GRCh38, 1-based): chr16:57,227,432, A>G. VCF-style: chr16-57227432-A-G. GRCh37 (hg19) VCF-style: chr16-57261344-A-G.
Other names: c.1252A>G, p.Ile418Val (NM_001305163.2, NM_001305164.2); short protein forms I418V.
Identifiers: ClinVar variation 789836 (VCV000789836.13), dbSNP rs58714624, ClinGen allele CA8074677.